The following is an entry in ClinVar:

ClinVar aggregate classification (germline): Pathogenic (1 of 4 stars; one submission).

Conditions:
Hereditary cancer-predisposing syndrome. Also called: Neoplastic Syndromes, Hereditary; Tumor predisposition; Hereditary Cancer Syndrome; Hereditary neoplastic syndrome. Identifiers: Orphanet 140162, MedGen C0027672, MeSH D009386, MONDO:0015356.

Submission:

Ambry Genetics
Classification: Pathogenic for Hereditary cancer-predisposing syndrome. Last evaluated: 2019-05-06. Review status: criteria provided, single submitter. Criteria: Ambry Variant Classification Scheme 2023. Collection method: clinical testing. Allele origin: germline.
Comment: The c.2550_2551delTG pathogenic mutation, located in coding exon 9 of the BRCA1 gene, results from a deletion of two nucleotides at nucleotide positions 2550 to 2551, causing a translational frameshift with a predicted alternate stop codon (p.S850Rfs*3). This alteration is expected to result in loss of function by premature protein truncation or nonsense-mediated mRNA decay. As such, this alteration is interpreted as a disease-causing mutation.

NM_007294.4(BRCA1):c.2550_2551del (p.Ser850fs)

Gene: BRCA1 (BRCA1 DNA repair associated; minus strand). Cytogenetic location: 17q21.31.
Variant type: Deletion.
Coding change: c.2550_2551del on transcript NM_007294.4 (MANE Select); coding-DNA positions 2550 to 2551, 2 bases deleted (TG; older notation c.2550_2551delTG).
Protein change: p.Ser850fs; shifts the reading frame from serine 850.
Molecular consequence: frameshift variant. On other transcripts: intron variant (137).
Genome position (GRCh38, 1-based): chr17:43,092,980-43,092,981, CA deleted on the plus strand (TG on the coding strand, the reverse complement: BRCA1 is on the minus strand); deleting any 2 consecutive bases within chr17:43,092,980-43,092,982 gives the same sequence; the c. name uses the placement nearest the transcript's 3' end. VCF-style (leftmost placement, unchanged base first): chr17-43092979-TCA-T. GRCh37 (hg19) VCF-style: chr17-41244996-TCA-T.
Other names: c.2406_2407del, p.Ser802fs (NM_001407744.1, NM_001407745.1, NM_001407746.1 and 20 more transcripts); c.671-1949_671-1948del (NM_001408419.1, NM_001408423.1, NM_001408420.1 and 2 more transcripts); c.787+1763_787+1764del (NM_001408403.1, NM_001407983.1, NM_001407975.1 and 17 more transcripts); c.643+1763_643+1764del (NM_001408463.1, NM_001408465.1, NM_001408470.1 and 3 more transcripts); c.790+1760_790+1761del (NM_001408406.1); c.577+1763_577+1764del (NM_001408482.1, NM_001408481.1, NM_001408480.1 and 9 more transcripts); c.520+1763_520+1764del (NM_001408504.1, NM_001408503.1, NM_001408505.1); c.646+1763_646+1764del (NM_001408456.1, NM_001408458.1, NM_001408469.1 and 11 more transcripts); and 42 more; short protein forms S803fs, S850fs, S723fs, S738fs, S782fs, S823fs, S849fs, S682fs.
Identifiers: ClinVar variation 821473 (VCV000821473.5), dbSNP rs1597869317, ClinGen allele CA915950064.